The following is an entry in ClinVar:

NM_004304.5(ALK):c.4729T>A (p.Phe1577Ile)

Gene: ALK (ALK receptor tyrosine kinase; minus strand). Cytogenetic location: 2p23.2.
Variant type: single nucleotide variant.
Coding change: c.4729T>A on transcript NM_004304.5 (MANE Select); coding-DNA position 4729, T replaced by A.
Protein change: p.Phe1577Ile; replaces phenylalanine 1577 with isoleucine.
Molecular consequence: missense variant.
Genome position (GRCh38, 1-based): chr2:29,193,358, A>T on the plus strand (T>A on the coding strand, the complement: ALK is on the minus strand). VCF-style: chr2-29193358-A-T. GRCh37 (hg19) VCF-style: chr2-29416224-A-T.
Other names: c.1525T>A, p.Phe509Ile (NM_001353765.2); short protein forms F509I, F1577I.
Identifiers: ClinVar variation 3656075 (VCV003656075.2).

ClinVar aggregate classification (germline): Uncertain significance (1 of 4 stars; one submission).

Conditions:
Neuroblastoma, susceptibility to, 3. Also called: ALK-Related Neuroblastic Tumor Susceptibility. Identifiers: Orphanet 635, MedGen C2751681, MONDO:0013083, OMIM 613014.

Submission:

Labcorp Genetics (formerly Invitae), Labcorp
Classification: Uncertain significance for Neuroblastoma, susceptibility to, 3. Last evaluated: 2024-06-10. Review status: criteria provided, single submitter. Criteria: Invitae Variant Classification Sherloc (09022015). Collection method: clinical testing. Allele origin: germline.
Comment: This sequence change replaces phenylalanine, which is neutral and non-polar, with isoleucine, which is neutral and non-polar, at codon 1577 of the ALK protein (p.Phe1577Ile). This variant is not present in population databases (gnomAD no frequency). This variant has not been reported in the literature in individuals affected with ALK-related conditions. An algorithm developed to predict the effect of missense changes on protein structure and function (PolyPhen-2) suggests that this variant is likely to be disruptive. In summary, the available evidence is currently insufficient to determine the role of this variant in disease. Therefore, it has been classified as a Variant of Uncertain Significance.